The following is an entry in ClinVar:

ClinVar aggregate classification (germline): Uncertain significance (1 of 4 stars; one submission).

Conditions:
ALG6-congenital disorder of glycosylation 1C (CDG1C). Also called: CARBOHYDRATE-DEFICIENT GLYCOPROTEIN SYNDROME, TYPE I, WITH DEFICIENT GLYCOSYLATION OF DOLICHOL-LINKED OLIGOSACCHARIDE; CARBOHYDRATE-DEFICIENT GLYCOPROTEIN SYNDROME, TYPE V; Congenital disorder of glycosylation type 1C; Congenital disorder of glycosylation, type Ic; CDG Ic. Identifiers: Orphanet 79320, MedGen C2930997, MONDO:0011291, OMIM 603147.

Submission:

Labcorp Genetics (formerly Invitae), Labcorp
Classification: Uncertain significance for ALG6-congenital disorder of glycosylation 1C. Last evaluated: 2022-06-26. Review status: criteria provided, single submitter. Criteria: Invitae Variant Classification Sherloc (09022015). Collection method: clinical testing. Allele origin: germline.
Comment: In summary, the available evidence is currently insufficient to determine the role of this variant in disease. Therefore, it has been classified as a Variant of Uncertain Significance. Algorithms developed to predict the effect of missense changes on protein structure and function (SIFT, PolyPhen-2, Align-GVGD) all suggest that this variant is likely to be disruptive. This variant has not been reported in the literature in individuals affected with ALG6-related conditions. This variant is not present in population databases (gnomAD no frequency). This sequence change replaces proline, which is neutral and non-polar, with serine, which is neutral and polar, at codon 52 of the ALG6 protein (p.Pro52Ser).

NM_013339.4(ALG6):c.154C>T (p.Pro52Ser)

Gene: ALG6 (ALG6 alpha-1,3-glucosyltransferase; plus strand). Cytogenetic location: 1p31.3.
Variant type: single nucleotide variant.
Coding change: c.154C>T on transcript NM_013339.4 (MANE Select); coding-DNA position 154, C replaced by T.
Protein change: p.Pro52Ser; replaces proline 52 with serine.
Molecular consequence: missense variant.
Genome position (GRCh38, 1-based): chr1:63,396,584, C>T. VCF-style: chr1-63396584-C-T. GRCh37 (hg19) VCF-style: chr1-63862255-C-T.
Other names: short protein forms P52S.
Identifiers: ClinVar variation 2011125 (VCV002011125.4), dbSNP rs2523706655, ClinGen allele CA340632978.